The following is an entry in ClinVar:

NM_001035.3(RYR2):c.3568C>A (p.Leu1190Met)

Gene: RYR2 (ryanodine receptor 2; plus strand). Cytogenetic location: 1q43.
Variant type: single nucleotide variant.
Coding change: c.3568C>A on transcript NM_001035.3 (MANE Select); coding-DNA position 3568, C replaced by A.
Protein change: p.Leu1190Met; replaces leucine 1190 with methionine.
Molecular consequence: missense variant.
Genome position (GRCh38, 1-based): chr1:237,569,289, C>A. VCF-style: chr1-237569289-C-A. GRCh37 (hg19) VCF-style: chr1-237732589-C-A.
Other names: short protein forms L1190M.
Identifiers: ClinVar variation 2442745 (VCV002442745.1), dbSNP rs2546448389, ClinGen allele CA345390749.

ClinVar aggregate classification (germline): Uncertain significance (1 of 4 stars; one submission).

gnomAD v4.1: 1 of 1,613,828 alleles (0.000062%); highest among the groups gnomAD compares: Non-Finnish European, 0.000085%; no homozygotes.

Submission:

GeneDx
Classification: Uncertain significance. Last evaluated: 2022-09-06. Review status: criteria provided, single submitter. Criteria: GeneDx Variant Classification Process June 2021. Collection method: clinical testing. Allele origin: germline. Affected: yes.
Comment: Not observed at significant frequency in large population cohorts (gnomAD); In silico analysis supports that this missense variant does not alter protein structure/function; Not located in one of the three hot-spot regions of the RYR2 gene, where the majority of pathogenic missense variants occur (Medeiros-Domingo et al., 2009); Has not been previously published as pathogenic or benign to our knowledge; This variant is associated with the following publications: (PMID: 19926015)